The following is an entry in ClinVar:

NM_000073.3(CD3G):c.389_391delinsTCT (p.Ala130_Val131delinsValPhe)

Genes: CD3G (CD3 gamma subunit of T-cell receptor complex; plus strand), LOC126861358 (BRD4-independent group 4 enhancer GRCh37_chr11:118220212-118221411; plus strand). Cytogenetic location: 11q23.3.
Variant type: Indel.
Coding change: c.389_391delinsTCT on transcript NM_000073.3 (MANE Select); coding-DNA positions 389 to 391, CTG replaced by TCT.
Protein change: p.Ala130_Val131delinsValPhe.
Molecular consequence: missense variant.
Genome position (GRCh38, 1-based): chr11:118,350,633-118,350,635, CTG replaced by TCT. VCF-style: chr11-118350633-CTG-TCT. GRCh37 (hg19) VCF-style: chr11-118221348-CTG-TCT.
Identifiers: ClinVar variation 661539 (VCV000661539.5), dbSNP rs1591284990, ClinGen allele CA915947867.
Genomic context (GRCh38, chr11:118,350,633, plus strand): 5'-TAAATGCAGCCACCATATCTGGCTTTCTCTTTGCTGAAATCGTCAGCATTTTCGTCCTTG[CTG>TCT]TTGGGGTCTACTTCATTGCTGGACAGGATGGAGTTCGCCAGTCGAGAGGTAAAAGAATGC-3'

ClinVar aggregate classification (germline): Uncertain significance. Review status: criteria provided, multiple submitters, no conflicts (2 of 4 stars). 2 submissions from 2 submitters: Uncertain significance (2). Last evaluated 2022-10-28.

Conditions:
Combined immunodeficiency due to CD3gamma deficiency. Also called: CD3-GAMMA DEFICIENCY; SCID-LIKE IMMUNODEFICIENCY, T CELL-PARTIAL, B CELL-POSITIVE, NK CELL-POSITIVE; Immunodeficiency 17; Immunodeficiency 17, CD3 gamma deficient. Identifiers: Orphanet 169082, MedGen C3810107, MONDO:0014276, OMIM 615607.

Submissions (2):

Labcorp Genetics (formerly Invitae), Labcorp
Classification: Uncertain significance for Combined immunodeficiency due to CD3gamma deficiency. Last evaluated: 2022-10-28. Review status: criteria provided, single submitter. Criteria: Invitae Variant Classification Sherloc (09022015). Collection method: clinical testing. Allele origin: germline.
Comment: In summary, the available evidence is currently insufficient to determine the role of this variant in disease. Therefore, it has been classified as a Variant of Uncertain Significance. Experimental studies and prediction algorithms are not available or were not evaluated, and the functional significance of this variant is currently unknown. ClinVar contains an entry for this variant (Variation ID: 661539). This variant has not been reported in the literature in individuals affected with CD3G-related conditions. Information on the frequency of this variant in the gnomAD database is not available, as this variant may be reported differently in the database. This variant, c.389_391delinsTCT, is a complex sequence change that results in the deletion of 2 and insertion of 2 amino acid(s) in the CD3G protein (p.Ala130_Val131delinsValPhe).

Women's Health and Genetics/Laboratory Corporation of America, LabCorp
Classification: Uncertain significance. Last evaluated: 2022-08-18. Review status: criteria provided, single submitter. Criteria: LabCorp Variant Classification Summary - May 2015. Collection method: clinical testing. Allele origin: germline.
Comment: Variant summary: CD3G c.389_391delinsTCT (p.Ala130_Val131delinsValPhe) results in an in-frame deletion-insertion that is predicted to delete two amino acids (Ala, Val) from the protein and also inserted two amino acids (Val, Phe). The variant was absent in 251442 control chromosomes (gnomAD). The available data on variant occurrences in the general population are insufficient to allow any conclusion about variant significance. To our knowledge, no occurrence of c.389_391delinsTCT in individuals affected with Severe Combined Immunodeficiency and no experimental evidence demonstrating its impact on protein function have been reported. One ClinVar submitter (evaluation after 2014) cites the variant as uncertain significance. Based on the evidence outlined above, the variant was classified as uncertain significance.